The following is an entry in ClinVar:

NM_018026.4(PACS1):c.444+6T>A

Gene: PACS1 (phosphofurin acidic cluster sorting protein 1; plus strand). Cytogenetic location: 11q13.2.
Variant type: single nucleotide variant.
Coding change: c.444+6T>A on transcript NM_018026.4 (MANE Select); 6 bases into the intron after coding-DNA position 444, T replaced by A.
Molecular consequence: intron variant.
Genome position (GRCh38, 1-based): chr11:66,193,579, T>A. VCF-style: chr11-66193579-T-A. GRCh37 (hg19) VCF-style: chr11-65961050-T-A.
Identifiers: ClinVar variation 2765778 (VCV002765778.3), dbSNP rs2495502403, ClinGen allele CA2697548690.

ClinVar aggregate classification (germline): Uncertain significance (1 of 4 stars; one submission).

Conditions:
Schuurs-Hoeijmakers syndrome. Also called: PACS1-Related Neurodevelopmental Disorder. Identifiers: Orphanet 329224, MedGen C3554343, MONDO:0014006, OMIM 615009.

Submission:

Labcorp Genetics (formerly Invitae), Labcorp
Classification: Uncertain significance for Schuurs-Hoeijmakers syndrome. Last evaluated: 2023-06-04. Review status: criteria provided, single submitter. Criteria: Invitae Variant Classification Sherloc (09022015). Collection method: clinical testing. Allele origin: germline.
Comment: In summary, the available evidence is currently insufficient to determine the role of this variant in disease. Therefore, it has been classified as a Variant of Uncertain Significance. Variants that disrupt the consensus splice site are a relatively common cause of aberrant splicing (PMID: 17576681, 9536098). Algorithms developed to predict the effect of sequence changes on RNA splicing suggest that this variant is not likely to affect RNA splicing. This variant has not been reported in the literature in individuals affected with PACS1-related conditions. This variant is not present in population databases (gnomAD no frequency). This sequence change falls in intron 2 of the PACS1 gene. It does not directly change the encoded amino acid sequence of the PACS1 protein. It affects a nucleotide within the consensus splice site.

Literature cited by the submitters: PubMed 17576681; PubMed 9536098.